The following is an entry in ClinVar:

ClinVar aggregate classification (germline): Uncertain significance (1 of 4 stars; one submission).

gnomAD v4.1: 16 of 1,613,950 alleles (0.00099%); highest among the groups gnomAD compares: African/African-American, 0.011%; no homozygotes.

Submission:

Labcorp Genetics (formerly Invitae), Labcorp
Classification: Uncertain significance. Last evaluated: 2025-04-19. Review status: criteria provided, single submitter. Criteria: Invitae Variant Classification Sherloc (09022015). Collection method: clinical testing. Allele origin: germline.
Comment: This sequence change replaces alanine, which is neutral and non-polar, with valine, which is neutral and non-polar, at codon 669 of the DHX37 protein (p.Ala669Val). This variant is present in population databases (rs370648754, gnomAD 0.01%). This variant has not been reported in the literature in individuals affected with DHX37-related conditions. Invitae Evidence Modeling of protein sequence and biophysical properties (such as structural, functional, and spatial information, amino acid conservation, physicochemical variation, residue mobility, and thermodynamic stability) indicates that this missense variant is expected to disrupt DHX37 protein function with a positive predictive value of 80%. In summary, the available evidence is currently insufficient to determine the role of this variant in disease. Therefore, it has been classified as a Variant of Uncertain Significance.

NM_032656.4(DHX37):c.2006C>T (p.Ala669Val)

Gene: DHX37 (DEAH-box helicase 37; minus strand). Cytogenetic location: 12q24.31.
Variant type: single nucleotide variant.
Coding change: c.2006C>T on transcript NM_032656.4 (MANE Select); coding-DNA position 2006, C replaced by T.
Protein change: p.Ala669Val; replaces alanine 669 with valine.
Molecular consequence: missense variant.
Genome position (GRCh38, 1-based): chr12:124,964,433, G>A on the plus strand (C>T on the coding strand, the complement: DHX37 is on the minus strand). VCF-style: chr12-124964433-G-A. GRCh37 (hg19) VCF-style: chr12-125448979-G-A.
Other names: short protein forms A669V.
Identifiers: ClinVar variation 4782196 (VCV004782196.1).